The following is an entry in ClinVar:

ClinVar aggregate classification (germline): Likely benign (1 of 4 stars; one submission).

Conditions:
Colorectal cancer, susceptibility to, 1. Also called: COLORECTAL ADENOMA AND CANCER, SUSCEPTIBILITY TO; COLORECTAL CANCER, SUSCEPTIBILITY TO, ON CHROMOSOME 9. Identifiers: MedGen C1837315, MONDO:0012132, OMIM 608812.

Submission:

Myriad Genetics, Inc.
Classification: Likely benign for Colorectal cancer, susceptibility to, 1. Last evaluated: 2026-04-21. Review status: criteria provided, single submitter. Criteria: Myriad Autosomal Dominant, Autosomal Recessive and X-Linked Classification Criteria (2023). Collection method: clinical testing. Allele origin: unknown.
Comment: This variant is considered likely benign. This variant is intronic and is not expected to impact mRNA splicing.

NM_024642.5(GALNT12):c.542-9C>T

Gene: GALNT12 (polypeptide N-acetylgalactosaminyltransferase 12; plus strand). Cytogenetic location: 9q22.33.
Variant type: single nucleotide variant.
Coding change: c.542-9C>T on transcript NM_024642.5 (MANE Select); 9 bases into the intron before coding-DNA position 542, C replaced by T.
Molecular consequence: intron variant.
Genome position (GRCh38, 1-based): chr9:98,826,743, C>T. VCF-style: chr9-98826743-C-T. GRCh37 (hg19) VCF-style: chr9-101589025-C-T.
Identifiers: ClinVar variation 4876162 (VCV004876162.1).
Genomic context (GRCh38, chr9:98,826,743, plus strand): 5'-CCCGGGTTGGGATGAGGCGCTCCTCCGAGATTGTCACGGTGACCCCTGTTGCTTTGTTTG[C>T]CTCCCTAGAGCACCTGAAGGAGCGCTTGGCCAATGAGCTTTCGGGACTGCCCAAGGTGCG-3'